The following is an entry in ClinVar:

ClinVar aggregate classification (germline): Pathogenic/Likely pathogenic. Review status: criteria provided, multiple submitters, no conflicts (2 of 4 stars). 17 submissions from 17 submitters: Pathogenic (13); Likely pathogenic (2). 2 of the submissions do not count toward it. Last evaluated 2026-05-28.

Conditions:
KPTN-related disorder. Also called: KPTN-related condition. Identifiers: MedGen CN381532.
Inborn genetic diseases. Identifiers: MedGen C0950123, MeSH D030342.
Macrocephaly-developmental delay syndrome (MRT41). Also called: INTELLECTUAL DEVELOPMENTAL DISORDER, AUTOSOMAL RECESSIVE 41. Identifiers: Orphanet 397612, MedGen C3810225, MONDO:0014289, OMIM 615637.

Submissions 1 to 10 of 17:

Greenwood Genetic Center Diagnostic Laboratories, Greenwood Genetic Center
Classification: Pathogenic for Macrocephaly-developmental delay syndrome. Last evaluated: 2026-05-28. Review status: criteria provided, single submitter. Criteria: ACMG Guidelines, 2015. Collection method: clinical testing. Allele origin: germline. Affected: yes.
Comment: PS3, PM3_Strong, PM4, PP1

Institute of Human Genetics, Heidelberg University
Classification: Pathogenic for Macrocephaly-developmental delay syndrome. Last evaluated: 2026-02-25. Review status: criteria provided, single submitter. Criteria: ACMG Guidelines, 2015. Collection method: clinical testing. Allele origin: maternal. Affected: yes. Observed: 2 variant alleles.
Comment: PVS1, PM2_supp, PM3

Labcorp Genetics (formerly Invitae), Labcorp
Classification: Pathogenic for Macrocephaly-developmental delay syndrome. Last evaluated: 2025-11-13. Review status: criteria provided, single submitter. Criteria: Invitae Variant Classification Sherloc (09022015). Collection method: clinical testing. Allele origin: germline.
Comment: This variant, c.714_731dup, results in the insertion of 6 amino acid(s) of the KPTN protein (p.Met241_Gln246dup), but otherwise preserves the integrity of the reading frame. This variant is present in population databases (rs763764442, gnomAD 0.1%), and has an allele count higher than expected for a pathogenic variant. This variant has been observed in individual(s) with macrocephaly, neurodevelopmental delay and seizures (PMID: 24239382). In at least one individual the data is consistent with being in trans (on the opposite chromosome) from a pathogenic variant. It has also been observed to segregate with disease in related individuals. ClinVar contains an entry for this variant (Variation ID: 100680). Algorithms developed to predict the effect of variants on gene product structure and function are not available or were not evaluated for this variant. Experimental studies have shown that this variant affects KPTN function (PMID: 24239382). For these reasons, this variant has been classified as Pathogenic.

Women's Health and Genetics/Laboratory Corporation of America, LabCorp
Classification: Pathogenic for Macrocephaly-developmental delay syndrome. Last evaluated: 2025-04-28. Review status: criteria provided, single submitter. Criteria: LabCorp Variant Classification Summary - May 2015. Collection method: clinical testing. Allele origin: germline.
Comment: Variant summary: KPTN c.714_731dup18 (p.Met241_Gln246dup) results in an in-frame duplication that is predicted to duplicate six amino acids into the encoded protein. The variant allele was found at a frequency of 0.00049 in 247772 control chromosomes (gnomAD). This frequency is not significantly higher than estimated for a pathogenic variant in KPTN causing Macrocephaly-Developmental Delay Syndrome, allowing no conclusion about variant significance. c.714_731dup18 has been observed in multiple individuals affected with clinical features of Macrocephaly-Developmental Delay Syndrome and this variant co-segregated with the disease (Baple_2014, Horn_2023). These data indicate that the variant is very likely to be associated with disease. To our knowledge, no experimental evidence demonstrating an impact on protein function has been reported. The following publications have been ascertained in the context of this evaluation (PMID: 24239382, 36703628). ClinVar contains an entry for this variant (Variation ID: 100680). Based on the evidence outlined above, the variant was classified as pathogenic.

Institute of Human Genetics, University of Leipzig Medical Center
Classification: Pathogenic for Macrocephaly-developmental delay syndrome. Last evaluated: 2025-01-23. Review status: criteria provided, single submitter. Criteria: ACMG Guidelines, 2015. Collection method: clinical testing. Allele origin: maternal. Inheritance: Autosomal recessive inheritance. Affected: yes.
Comment: Criteria applied: PM3_VSTR,PS3,PM2,PM4,PP1

Blueprint Genetics
Classification: Pathogenic for KPTN-related disorders. Last evaluated: 2024-09-12. Review status: criteria provided, single submitter. Criteria: ACMG Guidelines, 2015. Collection method: clinical testing. Allele origin: germline. Affected: yes. Observed: 5 variant alleles.

Victorian Clinical Genetics Services, Murdoch Childrens Research Institute
Classification: Pathogenic for Macrocephaly-developmental delay syndrome. Last evaluated: 2023-07-17. Review status: criteria provided, single submitter. Criteria: ACMG Guidelines, 2015. Collection method: clinical testing. Allele origin: germline. Inheritance: Autosomal recessive inheritance.
Comment: Based on the classification scheme VCGS_Germline_v1.3.4, this variant is classified as Pathogenic. Following criteria are met: 0102 - Loss of function is a known mechanism of disease in this gene and is associated with intellectual disability 41 (MIM#615637). (I) 0106 - This gene is associated with autosomal recessive disease. (I) 0216 - In-frame insertion in a non-repetitive region that has low conservation. (SP) 0251 - This variant is heterozygous. (I) 0304 - Variant is present in gnomAD <0.01 for a recessive condition (v2: 135 heterozygotes, 0 homozygotes). (SP) 0604 - Variant is not located in an established domain, motif, hotspot or informative constraint region. (I) 0705 - No comparable in frame duplication variants have previous evidence for pathogenicity. (I) 0801 - This variant has strong previous evidence of pathogenicity in unrelated individuals. It has been reported in at least six compound heterozygous probands with a neurodevelopmental disorder, including multiple affecteds in a large Amish family. In addition, it has been consistently classified as pathogenic by diagnostic laboratories in ClinVar (PMID:24239382, 32358097). (SP) 1002 - This variant has moderate functional evidence supporting abnormal protein function. In vitro assays have demonstrated protein mislocalization (PMID: 24239382). (I) Legend: (SP) - Supporting pathogenic, (I) - Information, (SB) - Supporting benign

Ambry Genetics
Classification: Pathogenic for Inborn genetic diseases. Last evaluated: 2023-07-10. Review status: criteria provided, single submitter. Criteria: Ambry Variant Classification Scheme 2023. Collection method: clinical testing. Allele origin: germline.
Comment: The c.714_731dup18 (p.M241_Q246dup) alteration, located in coding exon 8 of the KPTN gene, results from an in-frame duplication of 18 nucleotides at_x000D_ positions 714 to 731. This results in the duplication of 6 amino acids from codons 241 to 246. Based on data from gnomAD, this allele has an overall frequency of 0.048% (135/279060) total alleles studied. The highest observed frequency was 0.101% (25/24646) of European (Finnish) alleles. This alteration was reported in trans with a second KPTN alteration in multiple individuals with features consistent with KPTN-related neurodevelopmental disorder (Baple, 2014; Thiffault, 2019; Thiffault, 2020). Functional analysis demonstrated that the p.M241_Q246dup alteration led to a mislocalized kaptin protein (Baple, 2014). This alteration is predicted to be deleterious by in silico analysis (Choi, 2012). Based on the available evidence, this alteration is classified as pathogenic.

Institute of Human Genetics, Clinical Exome/Genome Diagnostics Group, University Hospital Bonn
Classification: Likely pathogenic for Macrocephaly-developmental delay syndrome. Last evaluated: 2022-06-02. Review status: criteria provided, single submitter. Criteria: ACMG Guidelines, 2015. Collection method: clinical testing. Allele origin: germline. Affected: yes.

GeneDx
Classification: Pathogenic. Last evaluated: 2022-05-03. Review status: criteria provided, single submitter. Criteria: GeneDx Variant Classification Process June 2021. Collection method: clinical testing. Allele origin: germline. Affected: yes.
Comment: Published functional studies demonstrate a damaging effect resulting in improper localization of the kaptin protein (Baple et al., 2014); In-frame insertion of 6 amino acids in a non-repeat region; This variant is associated with the following publications: (PMID: 31999056, 24239382, 30008475, 32358097)

NM_007059.4(KPTN):c.714_731dup (p.Gln246_Asp247insMetTrpSerValLeuGln)

Gene: KPTN (kaptin, actin binding protein; minus strand). Cytogenetic location: 19q13.32.
Variant type: Duplication.
Coding change: c.714_731dup on transcript NM_007059.4 (MANE Select); coding-DNA positions 714 to 731, 18 bases duplicated (TCTGCAGATGTGGTCGGT).
Protein change: p.Gln246_Asp247insMetTrpSerValLeuGln.
Molecular consequence: inframe insertion. On other transcripts: non-coding transcript variant (1).
Genome position (GRCh38, 1-based): chr19:47,479,919-47,479,936, ACCGACCACATCTGCAGA duplicated on the plus strand (TCTGCAGATGTGGTCGGT on the coding strand, the reverse complement: KPTN is on the minus strand); duplicating any 18 consecutive bases within chr19:47,479,919-47,479,939 gives the same sequence; the c. name uses the placement nearest the transcript's 3' end. VCF-style (leftmost placement, unchanged base first): chr19-47479918-G-GACCGACCACATCTGCAGA. GRCh37 (hg19) VCF-style: chr19-47983175-G-GACCGACCACATCTGCAGA.
Other names: c.714_731dup18 (NM_007059.4); c.546_563dup, p.Gln190_Asp191insMetTrpSerValLeuGln (NM_001291296.2); c.714_731dupTCTGCAGATGTGGTCGGT (NM_007059.2).
Identifiers: ClinVar variation 100680 (VCV000100680.70), dbSNP rs587777148, ClinGen allele CA150622.
Genomic context (GRCh38, chr19:47,479,918, plus strand): 5'-CTCACCCTTGGCGGCCGAGAGGCTGAACACAATCACTCGGGAGATGGGACCGTCCTGCAG[G>GACCGACCACATCTGCAGA]ACCGACCACATCTGCAGAACCTCTGCGTGGAGAGCGAGGATTCAGAGCCCCAACCCCACC-3'